The following is an entry in ClinVar:

ClinVar aggregate classification (germline): Uncertain significance (1 of 4 stars; one submission).

Conditions:
Hereditary nonpolyposis colorectal neoplasms. Identifiers: MedGen C0009405, MeSH D003123.

Submission:

Labcorp Genetics (formerly Invitae), Labcorp
Classification: Uncertain significance for Hereditary nonpolyposis colorectal neoplasms. Last evaluated: 2023-02-14. Review status: criteria provided, single submitter. Criteria: Invitae Variant Classification Sherloc (09022015). Collection method: clinical testing. Allele origin: germline.
Comment: This sequence change replaces serine, which is neutral and polar, with asparagine, which is neutral and polar, at codon 476 of the PMS2 protein (p.Ser476Asn). This variant is not present in population databases (gnomAD no frequency). This variant has not been reported in the literature in individuals affected with PMS2-related conditions. Advanced modeling of protein sequence and biophysical properties (such as structural, functional, and spatial information, amino acid conservation, physicochemical variation, residue mobility, and thermodynamic stability) performed at Invitae indicates that this missense variant is not expected to disrupt PMS2 protein function. In summary, the available evidence is currently insufficient to determine the role of this variant in disease. Therefore, it has been classified as a Variant of Uncertain Significance.

NM_000535.7(PMS2):c.1427G>A (p.Ser476Asn)

Gene: PMS2 (PMS1 homolog 2, mismatch repair system component; minus strand). Cytogenetic location: 7p22.1.
Variant type: single nucleotide variant.
Coding change: c.1427G>A on transcript NM_000535.7 (MANE Select); coding-DNA position 1427, G replaced by A.
Protein change: p.Ser476Asn; replaces serine 476 with asparagine.
Molecular consequence: missense variant. On other transcripts: non-coding transcript variant (1), intron variant (1).
Genome position (GRCh38, 1-based): chr7:5,987,338, C>T on the plus strand (G>A on the coding strand, the complement: PMS2 is on the minus strand). VCF-style: chr7-5987338-C-T. GRCh37 (hg19) VCF-style: chr7-6026969-C-T.
Other names: c.854G>A, p.Ser285Asn (NM_001406909.1, NM_001322013.2); c.1022G>A, p.Ser341Asn (NM_001406910.1, NM_001406908.1, NM_001406898.1 and 17 more transcripts); c.656G>A, p.Ser219Asn (NM_001406911.1); c.962G>A, p.Ser321Asn (NM_001406900.1); c.953G>A, p.Ser318Asn (NM_001406901.1, NM_001406902.1); c.1109G>A, p.Ser370Asn (NM_001406903.1, NM_001322007.2, NM_001322008.2 and 2 more transcripts); c.866G>A, p.Ser289Asn (NM_001406906.1, NM_001406907.1, NM_001322010.2); c.804-4347G>A (NM_001406912.1); and 13 more; short protein forms S305N, S370N, S420N, S289N, S373N, S424N, S285N, S318N.
Identifiers: ClinVar variation 2778021 (VCV002778021.3), dbSNP rs1583320215, ClinGen allele CA366742025.